The following is an entry in ClinVar:

ClinVar aggregate classification (germline): Pathogenic (1 of 4 stars; one submission).

Submission:

Clinical Genomics Laboratory, Laboratory for Precision Diagnostics, University of Washington
Classification: Pathogenic. Last evaluated: 2023-12-04. Review status: criteria provided, single submitter. Criteria: ACMG/ClinGen CNV Guidelines, 2019. Collection method: clinical testing. Allele origin: unknown. Affected: yes. Observed: 1 variant allele.
Comment: Constitutional duplications of TBXT have been detected in multiple families with hereditary chordoma (PMID: 19801981). In some cases, there is a more complex rearrangement of the region (e.g. Family 3 in PMID: 19801981), and somatic complex rearrangements have also been seen (PMID: 33536423, PMID: 29026114).

Literature cited by the submitters: PubMed 29026114; PubMed 33536423; PubMed 19801981.

GRCh38/hg38 6q27(chr6:166051607-166263548)x4

Genes: LNCDAT (lncRNA divergent activator of TBXT; plus strand), TBXT (T-box transcription factor T; minus strand), LOC101929297 (uncharacterized LOC101929297; plus strand), LOC107986668 (uncharacterized LOC107986668; minus strand), LOC123881362 (Sharpr-MPRA regulatory region 12026; plus strand) and 5 more. Cytogenetic location: 6q27.
Variant type: copy number gain.
Change: copy number 4 of chr6:166,051,607-166,263,548 (211.9 kb, GRCh38 coordinates, 1-based), cytogenetic band 6q27.
Identifiers: ClinVar variation 4890966 (VCV004890966.1).